The following is an entry in ClinVar:

ClinVar aggregate classification (germline): Benign/Likely benign. Review status: criteria provided, multiple submitters, no conflicts (2 of 4 stars). 2 submissions from 2 submitters: Benign (1); Likely benign (1). Last evaluated 2026-04-15.

Conditions:
DICER1-related tumor predisposition. Also called: DICER1-related pleuropulmonary blastoma cancer predisposition syndrome; DICER1 syndrome. Identifiers: Orphanet 284343, MedGen C3839822, MONDO:0100216.

Submissions (2):

Myriad Genetics, Inc.
Classification: Benign for DICER1-related tumor predisposition. Last evaluated: 2026-04-15. Review status: criteria provided, single submitter. Criteria: Myriad Autosomal Dominant, Autosomal Recessive and X-Linked Classification Criteria (2023). Collection method: clinical testing. Allele origin: unknown.
Comment: This variant is considered benign. This variant is intronic and is not expected to impact mRNA splicing.

Labcorp Genetics (formerly Invitae), Labcorp
Classification: Likely benign for DICER1-related tumor predisposition. Last evaluated: 2026-01-29. Review status: criteria provided, single submitter. Criteria: Invitae Variant Classification Sherloc (09022015). Collection method: clinical testing. Allele origin: germline.

NM_177438.3(DICER1):c.1509+11_1509+15del

Gene: DICER1 (dicer 1, ribonuclease III; minus strand). Cytogenetic location: 14q32.13.
Variant type: Deletion.
Coding change: c.1509+11_1509+15del on transcript NM_177438.3 (MANE Select); bases 11 to 15 of the intron after coding-DNA position 1509, 5 bases deleted (TCAAA; older notation c.1509+11_1509+15delTCAAA).
Molecular consequence: intron variant.
Genome position (GRCh38, 1-based): chr14:95,117,607-95,117,611, TTTGA deleted on the plus strand (TCAAA on the coding strand, the reverse complement: DICER1 is on the minus strand); deleting any 5 consecutive bases within chr14:95,117,607-95,117,614 gives the same sequence; the c. name uses the placement nearest the transcript's 3' end. VCF-style (leftmost placement, unchanged base first): chr14-95117606-TTTTGA-T. GRCh37 (hg19) VCF-style: chr14-95583943-TTTTGA-T.
Other names: c.1509+11_1509+15del (NM_001291628.2, NM_030621.4, NM_001271282.3 and 1 more transcripts).
Identifiers: ClinVar variation 1616342 (VCV001616342.11), dbSNP rs781038539, ClinGen allele CA7331472.